The following is an entry in ClinVar:

NM_005732.4(RAD50):c.3916del (p.Ser1306fs)

Genes: RAD50 (RAD50 double strand break repair protein; plus strand), TH2LCRR (T helper type 2 locus control region associated RNA; minus strand). Cytogenetic location: 5q31.1.
Variant type: Deletion.
Coding change: c.3916del on transcript NM_005732.4 (MANE Select); coding-DNA position 3916, one base deleted (T; older notation c.3916delT).
Protein change: p.Ser1306fs; shifts the reading frame from serine 1306.
Molecular consequence: frameshift variant.
Genome position (GRCh38, 1-based): chr5:132,642,341, T deleted. VCF-style (leftmost placement, unchanged base first): chr5-132642340-CT-C. GRCh37 (hg19) VCF-style: chr5-131978032-CT-C.
Other names: short protein forms S1306fs.
Identifiers: ClinVar variation 569607 (VCV000569607.6), dbSNP rs1561661957, ClinGen allele CA891843036.

ClinVar aggregate classification (germline): Uncertain significance. Review status: criteria provided, multiple submitters, no conflicts (2 of 4 stars). 2 submissions from 2 submitters: Uncertain significance (2). Last evaluated 2024-04-15.

Conditions:
Hereditary cancer-predisposing syndrome. Also called: Hereditary neoplastic syndrome; Neoplastic Syndromes, Hereditary; Hereditary Cancer Syndrome; Tumor predisposition. Identifiers: Orphanet 140162, MedGen C0027672, MeSH D009386, MONDO:0015356.

Allele frequency attached by ClinVar (database versions not stated): gnomAD exomes below 0.00001.

Submissions (2):

Blueprint Genetics
Classification: Uncertain significance. Last evaluated: 2024-04-15. Review status: criteria provided, single submitter. Criteria: ACMG Guidelines, 2015. Collection method: clinical testing. Allele origin: germline.

Labcorp Genetics (formerly Invitae), Labcorp
Classification: Uncertain significance for Hereditary cancer-predisposing syndrome. Last evaluated: 2024-03-06. Review status: criteria provided, single submitter. Criteria: Invitae Variant Classification Sherloc (09022015). Collection method: clinical testing. Allele origin: germline.
Comment: This sequence change creates a premature translational stop signal (p.Ser1306Profs*19) in the RAD50 gene. While this is not anticipated to result in nonsense mediated decay, it is expected to disrupt the last 7 amino acid(s) of the RAD50 protein. This variant is not present in population databases (gnomAD no frequency). This variant has not been reported in the literature in individuals affected with RAD50-related conditions. ClinVar contains an entry for this variant (Variation ID: 569607). Experimental studies and prediction algorithms are not available or were not evaluated, and the functional significance of this variant is currently unknown. In summary, the available evidence is currently insufficient to determine the role of this variant in disease. Therefore, it has been classified as a Variant of Uncertain Significance.